The following is an entry in ClinVar:

ClinVar aggregate classification (germline): Likely pathogenic. Review status: criteria provided, multiple submitters, no conflicts (2 of 4 stars). 2 submissions from 2 submitters: Likely pathogenic (2). Last evaluated 2026-01-29.

Conditions:
Autosomal recessive nonsyndromic hearing loss 77. Identifiers: Orphanet 90636, MedGen C2746083, MONDO:0013119, OMIM 613079.

Allele frequency attached by ClinVar (database versions not stated): gnomAD exomes below 0.00001 and 0.00001; gnomAD 0.00003; TOPMed 0.00003; ExAC 0.00005; ESP Exome Variant Server 0.00042.

Submissions (2):

Natera, Inc.
Classification: Likely pathogenic for Autosomal recessive deafness type 77. Last evaluated: 2026-01-29. Review status: criteria provided, single submitter. Criteria: Natera Variant Classification Schema (03/2026). Collection method: clinical testing. Allele origin: germline.
Comment: The c.760-2delA variant in LOXHD1 is a canonical splice acceptor site variant predicted to affect pre-mRNA splicing, which may result in an abnormal transcript and altered protein product. This variant is expected to result in nonsense mediated decay, truncation, or a dysfunctional protein product. This variant is rare in the general population with a frequency below the threshold expected for the associated phenotype(s). Given the available evidence, this variant is classified as Likely Pathogenic.

Labcorp Genetics (formerly Invitae), Labcorp
Classification: Likely pathogenic. Last evaluated: 2023-04-13. Review status: criteria provided, single submitter. Criteria: Invitae Variant Classification Sherloc (09022015). Collection method: clinical testing. Allele origin: germline.
Comment: In summary, the currently available evidence indicates that the variant is pathogenic, but additional data are needed to prove that conclusively. Therefore, this variant has been classified as Likely Pathogenic. Algorithms developed to predict the effect of sequence changes on RNA splicing suggest that this variant may disrupt the consensus splice site. ClinVar contains an entry for this variant (Variation ID: 1066975). This variant has not been reported in the literature in individuals affected with LOXHD1-related conditions. This variant is present in population databases (rs770408532, gnomAD 0.03%). This sequence change affects a splice site in intron 6 of the LOXHD1 gene. It is expected to disrupt RNA splicing. Variants that disrupt the donor or acceptor splice site typically lead to a loss of protein function (PMID: 16199547), and loss-of-function variants in LOXHD1 are known to be pathogenic (PMID: 19732867, 21465660, 25792669).

Literature cited by the submitters: PubMed 16199547 (cited by Labcorp Genetics (formerly Invitae), Labcorp); PubMed 19732867 (cited by Labcorp Genetics (formerly Invitae), Labcorp); PubMed 21465660 (cited by Labcorp Genetics (formerly Invitae), Labcorp); PubMed 25792669 (cited by Labcorp Genetics (formerly Invitae), Labcorp).

NM_001384474.1(LOXHD1):c.760-2del

Gene: LOXHD1 (lipoxygenase homology PLAT domains 1; minus strand). Cytogenetic location: 18q21.1.
Variant type: Deletion.
Coding change: c.760-2del on transcript NM_001384474.1 (MANE Select); the canonical splice acceptor site of the intron before coding-DNA position 760, one base deleted (A; older notation c.760-2delA).
Molecular consequence: splice acceptor variant.
Genome position (GRCh38, 1-based): chr18:46,604,231, T deleted on the plus strand (A on the coding strand, the reverse complement: LOXHD1 is on the minus strand). VCF-style (leftmost placement, unchanged base first): chr18-46604230-CT-C. GRCh37 (hg19) VCF-style: chr18-44184193-CT-C.
Other names: c.760-2del (NM_144612.7); c.760-2delA (NM_144612.6).
Identifiers: ClinVar variation 1066975 (VCV001066975.9), dbSNP rs770408532, ClinGen allele CA8952885.